The following is an entry in ClinVar:

ClinVar aggregate classification (germline): Uncertain significance (1 of 4 stars; one submission).

Conditions:
Cystic fibrosis (CF). Also called: MUCOVISCIDOSIS. Identifiers: Orphanet 586, MedGen C0010674, MONDO:0009061, OMIM 219700. Disease mechanism: loss of function.

Submission:

Ambry Genetics
Classification: Uncertain significance for Cystic fibrosis. Last evaluated: 2024-05-07. Review status: criteria provided, single submitter. Criteria: Ambry Variant Classification Scheme 2023. Collection method: clinical testing. Allele origin: germline.
Comment: The p.G437C variant (also known as c.1309G>T), located in coding exon 10 of the CFTR gene, results from a G to T substitution at nucleotide position 1309. The glycine at codon 437 is replaced by cysteine, an amino acid with highly dissimilar properties. This amino acid position is conserved. In addition, the in silico prediction for this alteration is inconclusive. Since supporting evidence is limited at this time, the clinical significance of this alteration remains unclear.

NM_000492.4(CFTR):c.1309G>T (p.Gly437Cys)

Genes: CFTR (CF transmembrane conductance regulator; plus strand), CFTR-AS1 (CFTR antisense RNA 1; minus strand). Cytogenetic location: 7q31.2.
Variant type: single nucleotide variant.
Coding change: c.1309G>T on transcript NM_000492.4 (MANE Select); coding-DNA position 1309, G replaced by T.
Protein change: p.Gly437Cys; replaces glycine 437 with cysteine.
Molecular consequence: missense variant.
Genome position (GRCh38, 1-based): chr7:117,548,740, G>T. VCF-style: chr7-117548740-G-T. GRCh37 (hg19) VCF-style: chr7-117188794-G-T.
Other names: short protein forms G437C.
Identifiers: ClinVar variation 1769602 (VCV001769602.3), dbSNP rs2485046292, ClinGen allele CA368981889.